The following is an entry in ClinVar:

NM_000123.4(ERCC5):c.2190T>C (p.Asp730=)

Genes: BIVM-ERCC5 (BIVM-ERCC5 readthrough; plus strand), ERCC5 (ERCC excision repair 5, endonuclease; plus strand), LOC126861834 (BRD4-independent group 4 enhancer GRCh37_chr13:103518038-103519237; plus strand). Cytogenetic location: 13q33.1.
Variant type: single nucleotide variant.
Coding change: c.2190T>C on transcript NM_000123.4 (MANE Select); coding-DNA position 2190, T replaced by C.
Protein change: p.Asp730=; no amino-acid change (aspartic acid 730 retained).
Molecular consequence: synonymous variant.
Genome position (GRCh38, 1-based): chr13:102,865,902, T>C. VCF-style: chr13-102865902-T-C. GRCh37 (hg19) VCF-style: chr13-103518252-T-C.
Other names: c.3552T>C, p.Asp1184= (NM_001204425.2).
Identifiers: ClinVar variation 310928 (VCV000310928.33), dbSNP rs148103512, ClinGen allele CA7041544.

ClinVar aggregate classification (germline): Conflicting classifications of pathogenicity. Review status: criteria provided, conflicting classifications (1 of 4 stars). 3 submissions from 3 submitters: Uncertain significance (1); Likely benign (2). Last evaluated 2023-09-01.

Conditions:
Xeroderma pigmentosum, group G (XPG). Also called: XERODERMA PIGMENTOSUM VII; XP, GROUP G; Xeroderma pigmentosum type 7; ERCC5-Related Xeroderma Pigmentosum. Identifiers: MedGen C0268141, MONDO:0010216, OMIM 278780.

Allele frequency attached by ClinVar (database versions not stated): TOPMed 0.00024; 1000 Genomes Project 0.00040; 1000 Genomes Project 30x 0.00062; gnomAD exomes 0.00002 and 0.00003; ExAC 0.00004; gnomAD 0.00018 and 0.00020.
gnomAD v4.1: 56 of 1,613,948 alleles (0.0035%); highest among the groups gnomAD compares: African/African-American, 0.064%; no homozygotes.

Submissions (3):

CeGaT Center for Human Genetics Tuebingen
Classification: Likely benign. Last evaluated: 2023-09-01. Review status: criteria provided, single submitter. Criteria: CeGaT Center For Human Genetics Tuebingen Variant Classification Criteria Version 2. Collection method: clinical testing. Allele origin: germline. Affected: yes. Observed: 1 variant allele.
Comment: BIVM-ERCC5: BP4, BP7; ERCC5: BP4, BP7

Labcorp Genetics (formerly Invitae), Labcorp
Classification: Likely benign. Last evaluated: 2019-12-31. Review status: criteria provided, single submitter. Criteria: Invitae Variant Classification Sherloc (09022015). Collection method: clinical testing. Allele origin: germline.

Illumina Laboratory Services, Illumina
Classification: Uncertain significance for Xeroderma pigmentosum, group G. Last evaluated: 2018-01-12. Review status: criteria provided, single submitter. Criteria: ICSL Variant Classification Criteria 13 December 2019. Collection method: clinical testing. Allele origin: germline.